The following is an entry in ClinVar:

NM_001145026.2(PTPRQ):c.4188del (p.Ala1398fs)

Gene: PTPRQ (protein tyrosine phosphatase receptor type Q; plus strand). Cytogenetic location: 12q21.31.
Variant type: Deletion.
Coding change: c.4188del on transcript NM_001145026.2 (MANE Select); coding-DNA position 4188, one base deleted (T; older notation c.4188delT).
Protein change: p.Ala1398fs; shifts the reading frame from alanine 1398.
Molecular consequence: frameshift variant.
Genome position (GRCh38, 1-based): chr12:80,549,637, T deleted; the last of 2 consecutive T bases (chr12:80,549,636-80,549,637); deleting either gives the same sequence. VCF-style (leftmost placement, unchanged base first): chr12-80549635-CT-C. GRCh37 (hg19) VCF-style: chr12-80943414-CT-C.
Other names: short protein forms A1398fs.
Identifiers: ClinVar variation 3357956 (VCV003357956.2).

ClinVar aggregate classification (germline): Likely pathogenic. Review status: criteria provided, single submitter (1 of 4 stars). 2 submissions from 2 submitters: Likely pathogenic (1). 1 of the submissions does not count toward it. Last evaluated 2025-06-18.

Conditions:
PTPRQ-related disorder. Also called: PTPRQ-related condition.

Submissions (2):

Greenwood Genetic Center Diagnostic Laboratories, Greenwood Genetic Center
Classification: Likely pathogenic for PTPRQ-related disorder. Last evaluated: 2025-06-18. Review status: criteria provided, single submitter. Criteria: ACMG Guidelines, 2015. Collection method: clinical testing. Allele origin: germline. Affected: yes.
Comment: PVS1, PM2

PreventionGenetics, part of Exact Sciences
Classification: Likely pathogenic for PTPRQ-related condition. Last evaluated: 2024-06-07. Review status: no assertion criteria provided. Collection method: clinical testing. Allele origin: germline. Not counted in ClinVar's aggregate classification.
Comment: The PTPRQ c.4188delT variant is predicted to result in a frameshift and premature protein termination (p.Ala1398Profs*9). To our knowledge, this variant has not been reported in the literature, howveer truncating variants upstream and downstream of this position have been frequently reported with autosomal recessive hearing loss phenotypes (HGMD, Human Gene Mutation Database). This variant is reported in 0.0060% of alleles in individuals of African descent in gnomAD. Frameshift variants in PTPRQ are expected to be pathogenic. This variant is interpreted as likely pathogenic.